The following is an entry in ClinVar:

ClinVar aggregate classification (germline): Uncertain significance. Review status: criteria provided, multiple submitters, no conflicts (2 of 4 stars). 4 submissions from 4 submitters: Uncertain significance (3). 1 of the submissions does not count toward it. Last evaluated 2026-02-09.

Conditions:
Cohen syndrome (COH1). Also called: PEPPER SYNDROME; Cutis verticis gyrata, retinitis pigmentosa, and sensorineural deafness. Identifiers: Orphanet 193, MedGen C0265223, MONDO:0008999, OMIM 216550.
VPS13B-related disorder. Also called: VPS13B-related condition.

Allele frequency attached by ClinVar (database versions not stated): gnomAD exomes below 0.00001; TOPMed 0.00002; gnomAD 0.00003 and 0.00004.
gnomAD v4.1: 5 of 1,613,476 alleles (0.00031%); highest among the groups gnomAD compares: African/African-American, 0.0067%; no homozygotes.

Submissions (4):

PreventionGenetics, part of Exact Sciences
Classification: Uncertain significance for VPS13B-related condition. Last evaluated: 2026-02-09. Review status: criteria provided, single submitter. Criteria: ACMG Guidelines, 2015. Collection method: clinical testing. Allele origin: germline.
Comment: The VPS13B c.1365G>A variant is predicted to result in the amino acid substitution p.Met455Ile. To our knowledge, this variant has not been reported in the literature. This variant is reported in 0.0080% of alleles in individuals of African descent in gnomAD. At this time, the clinical significance of this variant is uncertain due to the absence of conclusive functional and genetic evidence.

GeneDx
Classification: Uncertain significance. Last evaluated: 2024-12-20. Review status: criteria provided, single submitter. Criteria: GeneDx Variant Classification Process June 2021. Collection method: clinical testing. Allele origin: germline. Affected: yes.
Comment: Not observed at significant frequency in large population cohorts (gnomAD); In silico analysis indicates that this missense variant does not alter protein structure/function; Has not been previously published as pathogenic or benign to our knowledge

Labcorp Genetics (formerly Invitae), Labcorp
Classification: Uncertain significance for Cohen syndrome. Last evaluated: 2022-02-24. Review status: criteria provided, single submitter. Criteria: Invitae Variant Classification Sherloc (09022015). Collection method: clinical testing. Allele origin: germline.
Comment: This sequence change replaces methionine, which is neutral and non-polar, with isoleucine, which is neutral and non-polar, at codon 455 of the VPS13B protein (p.Met455Ile). This variant is present in population databases (no rsID available, gnomAD 0.008%). This variant has not been reported in the literature in individuals affected with VPS13B-related conditions. ClinVar contains an entry for this variant (Variation ID: 998857). Algorithms developed to predict the effect of missense changes on protein structure and function output the following: SIFT: "Not Available"; PolyPhen-2: "Benign"; Align-GVGD: "Not Available". The isoleucine amino acid residue is found in multiple mammalian species, which suggests that this missense change does not adversely affect protein function. In summary, the available evidence is currently insufficient to determine the role of this variant in disease. Therefore, it has been classified as a Variant of Uncertain Significance.

Natera, Inc.
Classification: Uncertain significance for Cohen syndrome. Last evaluated: 2020-08-26. Review status: no assertion criteria provided. Collection method: clinical testing. Allele origin: germline. Not counted in ClinVar's aggregate classification.

NM_152564.5(VPS13B):c.1365G>A (p.Met455Ile)

Gene: VPS13B (vacuolar protein sorting 13 homolog B; plus strand). Cytogenetic location: 8q22.2.
Variant type: single nucleotide variant.
Coding change: c.1365G>A on transcript NM_152564.5 (MANE Select); coding-DNA position 1365, G replaced by A.
Protein change: p.Met455Ile; replaces methionine 455 with isoleucine.
Molecular consequence: missense variant.
Genome position (GRCh38, 1-based): chr8:99,135,077, G>A. VCF-style: chr8-99135077-G-A. GRCh37 (hg19) VCF-style: chr8-100147305-G-A.
Other names: c.1365G>A, p.Met455Ile (NM_015243.3, NM_017890.5); c.1365G>A (NM_017890.3, NM_152564.4); short protein forms M455I.
Identifiers: ClinVar variation 998857 (VCV000998857.12), dbSNP rs1187769339, ClinGen allele CA371862927.